The following is an entry in ClinVar:

ClinVar aggregate classification (germline): Conflicting classifications of pathogenicity. Review status: criteria provided, conflicting classifications (1 of 4 stars). 4 submissions from 4 submitters: Uncertain significance (1); Benign (3). Last evaluated 2026-01-22.

Conditions:
SLC39A5-related disorder. Also called: SLC39A5-related condition.

Allele frequency attached by ClinVar (database versions not stated): gnomAD 0.00028 and 0.00040; gnomAD exomes 0.00033 and 0.00120; TOPMed 0.00079; ExAC 0.00112; 1000 Genomes Project 0.00280; 1000 Genomes Project 30x 0.00328.
gnomAD v4.1: 542 of 1,613,658 alleles (0.034%); highest among the groups gnomAD compares: Admixed American, 0.61%; 5 homozygotes.

Submissions (4):

PreventionGenetics, part of Exact Sciences
Classification: Benign for SLC39A5-related condition. Last evaluated: 2026-01-22. Review status: criteria provided, single submitter. Criteria: ACMG Guidelines, 2015. Collection method: clinical testing. Allele origin: germline.
Comment: This variant is classified as benign based on ACMG/AMP sequence variant interpretation guidelines (Richards et al. 2015 PMID: 25741868, with internal and published modifications).

Ambry Genetics
Classification: Uncertain significance. Last evaluated: 2025-09-27. Review status: criteria provided, single submitter. Criteria: Ambry Variant Classification Scheme 2023. Collection method: clinical testing. Allele origin: germline.

Labcorp Genetics (formerly Invitae), Labcorp
Classification: Benign. Last evaluated: 2018-06-29. Review status: criteria provided, single submitter. Criteria: Invitae Variant Classification Sherloc (09022015). Collection method: clinical testing. Allele origin: germline.

Breakthrough Genomics
Classification: Benign. Review status: criteria provided, single submitter. Criteria: ACMG Guidelines, 2015. Collection method: not provided. Allele origin: germline. Inheritance: Autosomal dominant inheritance. Affected: yes.

NM_173596.3(SLC39A5):c.517G>A (p.Ala173Thr)

Gene: SLC39A5 (solute carrier family 39 member 5; plus strand). Cytogenetic location: 12q13.3.
Variant type: single nucleotide variant.
Coding change: c.517G>A on transcript NM_173596.3 (MANE Select); coding-DNA position 517, G replaced by A.
Protein change: p.Ala173Thr; replaces alanine 173 with threonine.
Molecular consequence: missense variant.
Genome position (GRCh38, 1-based): chr12:56,234,869, G>A. VCF-style: chr12-56234869-G-A. GRCh37 (hg19) VCF-style: chr12-56628653-G-A.
Other names: c.517G>A, p.Ala173Thr (NM_001135195.2); short protein forms A173T.
Identifiers: ClinVar variation 778446 (VCV000778446.6), dbSNP rs201722260, ClinGen allele CA6627084.